The following is an entry in ClinVar:

NM_000528.4(MAN2B1):c.1230+5G>T

Gene: MAN2B1 (mannosidase alpha class 2B member 1; minus strand). Cytogenetic location: 19p13.13.
Variant type: single nucleotide variant.
Coding change: c.1230+5G>T on transcript NM_000528.4 (MANE Select); 5 bases into the intron after coding-DNA position 1230, G replaced by T.
Molecular consequence: intron variant.
Genome position (GRCh38, 1-based): chr19:12,658,219, C>A on the plus strand (G>T on the coding strand, the complement: MAN2B1 is on the minus strand). VCF-style: chr19-12658219-C-A. GRCh37 (hg19) VCF-style: chr19-12769033-C-A.
Other names: c.1227+5G>T (NM_001173498.2).
Identifiers: ClinVar variation 662546 (VCV000662546.7), dbSNP rs1398531876, ClinGen allele CA632119629.

ClinVar aggregate classification (germline): Uncertain significance. Review status: criteria provided, multiple submitters, no conflicts (2 of 4 stars). 2 submissions from 2 submitters: Uncertain significance (2). Last evaluated 2023-12-12.

Conditions:
Deficiency of alpha-mannosidase (MANSA). Also called: Mannosidosis, alpha-, types I and II; LYSOSOMAL ALPHA-D-MANNOSIDASE DEFICIENCY; Alpha-Mannosidosis. Identifiers: Orphanet 61, MedGen C0024748, MONDO:0009561, OMIM 248500.

Allele frequency attached by ClinVar (database versions not stated): gnomAD exomes below 0.00001; gnomAD 0.00001 and 0.00003.
gnomAD v4.1: 2 of 1,613,876 alleles (0.00012%); highest among the groups gnomAD compares: African/African-American, 0.0027%; no homozygotes.

Submissions (2):

Women's Health and Genetics/Laboratory Corporation of America, LabCorp
Classification: Uncertain significance. Last evaluated: 2023-12-12. Review status: criteria provided, single submitter. Criteria: LabCorp Variant Classification Summary - May 2015. Collection method: clinical testing. Allele origin: germline.

Labcorp Genetics (formerly Invitae), Labcorp
Classification: Uncertain significance for Deficiency of alpha-mannosidase. Last evaluated: 2018-07-12. Review status: criteria provided, single submitter. Criteria: Invitae Variant Classification Sherloc (09022015). Collection method: clinical testing. Allele origin: germline.
Comment: This sequence change falls in intron 9 of the MAN2B1 gene. It does not directly change the encoded amino acid sequence of the MAN2B1 protein, but it affects a nucleotide within the consensus splice site of the intron. This variant is not present in population databases (ExAC no frequency). This variant has not been reported in the literature in individuals with MAN2B1-related disease. Nucleotide substitutions within the consensus splice site are a relatively common cause of aberrant splicing (PMID: 17576681, 9536098). Algorithms developed to predict the effect of sequence changes on RNA splicing suggest that this variant may disrupt the consensus splice site, but this prediction has not been confirmed by published transcriptional studies. In summary, the available evidence is currently insufficient to determine the role of this variant in disease. Therefore, it has been classified as a Variant of Uncertain Significance.

Literature cited by the submitters: PubMed 17576681 (cited by Labcorp Genetics (formerly Invitae), Labcorp); PubMed 9536098 (cited by Labcorp Genetics (formerly Invitae), Labcorp).